The following is an entry in ClinVar:

NM_018979.4(WNK1):c.7072T>A (p.Ser2358Thr)

Gene: WNK1 (WNK lysine deficient protein kinase 1; plus strand). Cytogenetic location: 12p13.33.
Variant type: single nucleotide variant.
Coding change: c.7072T>A on transcript NM_018979.4 (MANE Select); coding-DNA position 7072, T replaced by A.
Protein change: p.Ser2358Thr; replaces serine 2358 with threonine.
Molecular consequence: missense variant.
Genome position (GRCh38, 1-based): chr12:908,715, T>A. VCF-style: chr12-908715-T-A. GRCh37 (hg19) VCF-style: chr12-1017881-T-A.
Other names: c.7852T>A, p.Ser2618Thr (NM_001184985.2); c.6328T>A, p.Ser2110Thr (NM_014823.3); c.7828T>A, p.Ser2610Thr (NM_213655.5); short protein forms S2610T, S2618T, S2358T, S2110T.
Identifiers: ClinVar variation 2930820 (VCV002930820.3), dbSNP rs2498111370, ClinGen allele CA383341366.

ClinVar aggregate classification (germline): Uncertain significance (1 of 4 stars; one submission).

Conditions:
Neuropathy, hereditary sensory and autonomic, type 2A (HSAN2A). Also called: HSAN IIA; WNK1-Related HSAN2 (HSAN2A); ACROOSTEOLYSIS, GIACCAI TYPE; ACROOSTEOLYSIS, NEUROGENIC; MORVAN DISEASE; NEUROPATHY, CONGENITAL SENSORY. Identifiers: Orphanet 970, MedGen C2752089, MONDO:0024309, OMIM 201300.
Pseudohypoaldosteronism type 2C (PHA2C). Also called: Pseudohypoaldosteronism Type IIC. Identifiers: Orphanet 757, Orphanet 88940, MedGen C1840391, MONDO:0013778, OMIM 614492.

Submission:

Labcorp Genetics (formerly Invitae), Labcorp
Classification: Uncertain significance for Neuropathy, hereditary sensory and autonomic, type 2A; Pseudohypoaldosteronism type 2C. Last evaluated: 2022-11-05. Review status: criteria provided, single submitter. Criteria: Invitae Variant Classification Sherloc (09022015). Collection method: clinical testing. Allele origin: germline.
Comment: In summary, the available evidence is currently insufficient to determine the role of this variant in disease. Therefore, it has been classified as a Variant of Uncertain Significance. Advanced modeling of protein sequence and biophysical properties (such as structural, functional, and spatial information, amino acid conservation, physicochemical variation, residue mobility, and thermodynamic stability) performed at Invitae indicates that this missense variant is not expected to disrupt WNK1 protein function. This variant has not been reported in the literature in individuals affected with WNK1-related conditions. This variant is not present in population databases (gnomAD no frequency). This sequence change replaces serine, which is neutral and polar, with threonine, which is neutral and polar, at codon 2610 of the WNK1 protein (p.Ser2610Thr).